The following is an entry in ClinVar:

ClinVar aggregate classification (germline): Pathogenic (1 of 4 stars; one submission).

Submission:

CeGaT Center for Human Genetics Tuebingen
Classification: Pathogenic. Last evaluated: 2023-06-01. Review status: criteria provided, single submitter. Criteria: CeGaT Center For Human Genetics Tuebingen Variant Classification Criteria Version 2. Collection method: clinical testing. Allele origin: germline. Affected: yes. Observed: 1 variant allele.
Comment: KCNQ5: PVS1, PM2

NM_019842.4(KCNQ5):c.769del (p.Ser257fs)

Gene: KCNQ5 (potassium voltage-gated channel subfamily Q member 5; plus strand). Cytogenetic location: 6q13.
Variant type: Deletion.
Coding change: c.769del on transcript NM_019842.4 (MANE Select); coding-DNA position 769, one base deleted (T; older notation c.769delT).
Protein change: p.Ser257fs; shifts the reading frame from serine 257.
Molecular consequence: frameshift variant.
Genome position (GRCh38, 1-based): chr6:73,077,474, T deleted; the last of 2 consecutive T bases (chr6:73,077,473-73,077,474); deleting either gives the same sequence. VCF-style (leftmost placement, unchanged base first): chr6-73077472-GT-G. GRCh37 (hg19) VCF-style: chr6-73787195-GT-G.
Other names: c.769del, p.Ser257fs (NM_001160130.2, NM_001160132.2, NM_001160133.2 and 1 more transcripts); short protein forms S257fs.
Identifiers: ClinVar variation 2571253 (VCV002571253.27), dbSNP rs2533591836, ClinGen allele CA2580617292.